The following is an entry in ClinVar:

ClinVar aggregate classification (germline): Pathogenic (3 of 4 stars; one submission).

Conditions:
Breast-ovarian cancer, familial, susceptibility to, 1 (BROVCA1). Also called: BRCA1 Hereditary Breast and Ovarian Cancer; OVARIAN CANCER, SUSCEPTIBILITY TO. Identifiers: Orphanet 145, MedGen C2676676, MONDO:0011450, OMIM 604370. Disease mechanism: loss of function.

Submission:

Evidence-based Network for the Interpretation of Germline Mutant Alleles (ENIGMA)
Classification: Pathogenic for Breast-ovarian cancer, familial, susceptibility to, 1. Last evaluated: 2017-12-15. Review status: reviewed by expert panel. Criteria: ENIGMA BRCA1/2 Classification Criteria (2017-06-29). Collection method: curation. Allele origin: germline. Study: ENIGMA.
Comment: Variant allele predicted to encode a truncated non-functional protein.

NM_007294.4(BRCA1):c.1845_1846insG (p.Ser616fs)

Gene: BRCA1 (BRCA1 DNA repair associated; minus strand). Cytogenetic location: 17q21.31.
Variant type: Insertion.
Coding change: c.1845_1846insG on transcript NM_007294.4 (MANE Select); coding-DNA positions 1845 to 1846, G inserted.
Protein change: p.Ser616fs; shifts the reading frame from serine 616.
Molecular consequence: frameshift variant. On other transcripts: intron variant (137).
Genome position: GRCh38 VCF-style: chr17-43093685-A-AC. GRCh37 (hg19) VCF-style: chr17-41245702-A-AC.
Other names: c.1767_1768insG, p.Ser590fs (NM_001407658.1, NM_001407663.1, NM_001407653.1 and 4 more transcripts); c.1764_1765insG, p.Ser589fs (NM_001407659.1, NM_001407660.1, NM_001407661.1 and 1 more transcripts); c.1722_1723insG, p.Ser575fs (NM_001407664.1, NM_001407665.1, NM_001407666.1 and 19 more transcripts); c.1845_1846insG, p.Ser616fs (NM_001407684.1, NM_001407619.1, NM_001407620.1 and 30 more transcripts); c.1719_1720insG, p.Ser574fs (NM_001407685.1, NM_001407649.1, NM_001407670.1 and 11 more transcripts); c.1704_1705insG, p.Ser569fs (NM_001407695.1, NM_001407696.1, NM_001407697.1 and 29 more transcripts); c.1701_1702insG, p.Ser568fs (NM_001407740.1, NM_001407741.1, NM_001407742.1 and 20 more transcripts); c.1641_1642insG, p.Ser548fs (NM_001407874.1, NM_001407875.1); and 40 more; short protein forms S569fs, S616fs, S528fs, S546fs, S549fs, S568fs, S590fs, S613fs.
Identifiers: ClinVar variation 548224 (VCV000548224.2), dbSNP rs1555591112, ClinGen allele CA658824510.